The following is an entry in ClinVar:

ClinVar aggregate classification (germline): Likely benign (1 of 4 stars; one submission).

Allele frequency attached by ClinVar (database versions not stated): TOPMed below 0.00001.

Submission:

GeneDx
Classification: Likely benign. Last evaluated: 2016-07-08. Review status: criteria provided, single submitter. Criteria: GeneDx Variant Classification (06012015). Collection method: clinical testing. Allele origin: germline. Affected: yes.
Comment: This variant is considered likely benign or benign based on one or more of the following criteria: it is a conservative change, it occurs at a poorly conserved position in the protein, it is predicted to be benign by multiple in silico algorithms, and/or has population frequency not consistent with disease.

NM_001931.5(DLAT):c.1678-12T>C

Genes: DLAT (dihydrolipoamide S-acetyltransferase; plus strand), PIH1D2 (PIH1 domain containing 2; minus strand). Cytogenetic location: 11q23.1.
Variant type: single nucleotide variant.
Coding change: c.1678-12T>C on transcript NM_001931.5 (MANE Select); 12 bases into the intron before coding-DNA position 1678, T replaced by C.
Molecular consequence: intron variant.
Genome position (GRCh38, 1-based): chr11:112,061,026, T>C. VCF-style: chr11-112061026-T-C. GRCh37 (hg19) VCF-style: chr11-111931750-T-C.
Other names: c.1216-12T>C (NM_001372042.1); c.1696-12T>C (NM_001372031.1); c.1657-12T>C (NM_001372033.1); c.1570-12T>C (NM_001372035.1); c.1672-12T>C (NM_001372032.1); c.1363-12T>C (NM_001372039.1); c.1255-12T>C (NM_001372041.1); c.1399-12T>C (NM_001372038.1); and 4 more.
Identifiers: ClinVar variation 387127 (VCV000387127.1), dbSNP rs1057522703, ClinGen allele CA16606235.